The following is an entry in ClinVar:

NM_000016.6(ACADM):c.461T>G (p.Leu154Trp)

Gene: ACADM (acyl-CoA dehydrogenase medium chain; plus strand). Cytogenetic location: 1p31.1.
Variant type: single nucleotide variant.
Coding change: c.461T>G on transcript NM_000016.6 (MANE Select); coding-DNA position 461, T replaced by G.
Protein change: p.Leu154Trp; replaces leucine 154 with tryptophan.
Molecular consequence: missense variant. On other transcripts: intron variant (1).
Genome position (GRCh38, 1-based): chr1:75,734,864, T>G. VCF-style: chr1-75734864-T-G. GRCh37 (hg19) VCF-style: chr1-76200549-T-G.
Other names: c.473T>G, p.Leu158Trp (NM_001127328.3); c.353T>G, p.Leu118Trp (NM_001286042.2); c.560T>G, p.Leu187Trp (NM_001286043.2); c.-100+1942T>G (NM_001286044.2); c.461T>G (NM_000016.5); short protein forms L154W, L158W, L118W, L187W.
Identifiers: ClinVar variation 557423 (VCV000557423.12), dbSNP rs1553123263, ClinGen allele CA340813039.
Genomic context (GRCh38, chr1:75,734,864, plus strand): 5'-TTATTGCTGGAAATGATCAACAAAAGAAGAAGTATTTGGGGAGAATGACTGAGGAGCCAT[T>G]GATGTGTGTGAGTATGTGTAACTGCCGCTTTATTTCACACTTAAGAAGGGAACAAAGGTG-3'
Protein context (NP_000007.1, residues 144-164): KYLGRMTEEP[Leu154Trp]MCAYCVTEPG

ClinVar aggregate classification (germline): Pathogenic/Likely pathogenic. Review status: criteria provided, multiple submitters, no conflicts (2 of 4 stars). 5 submissions from 5 submitters: Pathogenic (1); Likely pathogenic (3). 1 of the submissions does not count toward it. Last evaluated 2026-06-06.

Conditions:
Medium-chain acyl-coenzyme A dehydrogenase deficiency (ACADMD). Also called: ACADM DEFICIENCY; MCADH DEFICIENCY; Medium chain acyl-CoA dehydrogenase deficiency; MCADD; CARNITINE DEFICIENCY SECONDARY TO MEDIUM-CHAIN ACYL-CoA DEHYDROGENASE DEFICIENCY; MCAD Deficiency. Identifiers: Orphanet 42, MedGen C0220710, MONDO:0008721, OMIM 201450.

Submissions (5):

Diagnosis and Treatment Center for Children, The Affiliated Hospital of Changchun University of Chinese Medicine
Classification: Likely pathogenic for Medium-chain acyl-coenzyme A dehydrogenase deficiency. Last evaluated: 2026-06-06. Review status: criteria provided, single submitter. Criteria: ACMG Guidelines, 2015. Collection method: curation. Allele origin: germline. Inheritance: Autosomal recessive inheritance. Affected: yes. Observed: 1 variant allele, 1 heterozygote.
Comment: Variant: NM_000016.6(ACADM):c.461T>G (p.Leu154Trp) Condition: Medium-chain acyl-CoA dehydrogenase (MCAD) deficiency Classification: Pathogenic / Likely pathogenic ACMG/AMP Criteria: PM2 (Moderate): Absent from controls (or at extremely low frequency if recessive) in large population databases. PP3 (Supporting): Multiple lines of computational evidence support a deleterious effect on the gene or gene product. PS4 (Strong): This variant has been frequently reported in patients with MCAD deficiency (e.g., PMID: 21239873). PM3 (Moderate): The variant was observed in trans with a known pathogenic deletion (c.449_452delCTGA) in a patient with MCAD deficiency (PMID: 21239873), confirming its pathogenic role. Summary of Evidence: This missense variant is located in the ACADM gene. It is absent from large population databases (PM2) and predicted to be damaging by multiple in silico tools (PP3). It has been reported in a patient with biochemical and clinical features consistent with MCAD deficiency (PMID: 21239873) (PS4). The patient was found to be a compound heterozygote for c.461T>G and a known pathogenic deletion c.449_452delCTGA, confirming the variant is in trans with a pathogenic variant, contributing to the patient's disease. Based on the ACMG/AMP guidelines, we classify this variant as Pathogenic. Note: This submission represents a literature-based curation of variant data reported in PMID: 21239873. The submitting organization did not perform the clinical testing; the data was extracted from the peer-reviewed publication.

Labcorp Genetics (formerly Invitae), Labcorp
Classification: Pathogenic for Medium-chain acyl-coenzyme A dehydrogenase deficiency. Last evaluated: 2024-10-31. Review status: criteria provided, single submitter. Criteria: Invitae Variant Classification Sherloc (09022015). Collection method: clinical testing. Allele origin: germline.
Comment: This sequence change replaces leucine, which is neutral and non-polar, with tryptophan, which is neutral and slightly polar, at codon 154 of the ACADM protein (p.Leu154Trp). This variant is not present in population databases (gnomAD no frequency). This missense change has been observed in individual(s) with medium-chain acyl-CoA dehydrogenase deficiency (PMID: 21239873, 33841490). In at least one individual the data is consistent with being in trans (on the opposite chromosome) from a pathogenic variant. ClinVar contains an entry for this variant (Variation ID: 557423). Invitae Evidence Modeling of protein sequence and biophysical properties (such as structural, functional, and spatial information, amino acid conservation, physicochemical variation, residue mobility, and thermodynamic stability) indicates that this missense variant is not expected to disrupt ACADM protein function with a negative predictive value of 80%. For these reasons, this variant has been classified as Pathogenic.

Natera, Inc.
Classification: Likely pathogenic for Medium Chain Acyl-CoA Dehydrogenase Deficiency. Last evaluated: 2024-06-16. Review status: criteria provided, single submitter. Criteria: Natera Variant Classification Schema (03/2026). Collection method: clinical testing. Allele origin: germline.
Comment: The c.461T>G variant in ACADM is a missense variant predicted to cause substitution of leucine to tryptophan at amino acid 154. This variant is rare in the general population with a frequency below the threshold expected for the associated phenotype(s). This variant has been observed in one or more individuals affected with the associated recessive disease, as either homozygous or compound heterozygous with a second variant (PMID: 21239873, 33841490). This variant has been identified in one or more affected individuals with a phenotype highly consistent with the associated gene (PMID: 21239873). Computational prediction algorithms indicate this variant is likely to affect gene or protein function. Given the available evidence, this variant is classified as Likely Pathogenic.

Baylor Genetics
Classification: Likely pathogenic for Medium-chain acyl-coenzyme A dehydrogenase deficiency. Last evaluated: 2023-10-03. Review status: criteria provided, single submitter. Criteria: ACMG Guidelines, 2015. Collection method: clinical testing. Allele origin: unknown.

Counsyl
Classification: Uncertain significance for Medium-chain acyl-coenzyme A dehydrogenase deficiency. Last evaluated: 2018-03-24. Review status: no assertion criteria provided. Collection method: clinical testing. Allele origin: unknown. Not counted in ClinVar's aggregate classification.

Literature cited by the submitters: PubMed 21527815 (cited by Diagnosis and Treatment Center for Children, The Affiliated Hospital of Changchun University of Chinese Medicine); PubMed 21239873 (cited by 3 submitters); PubMed 33841490 (cited by Labcorp Genetics (formerly Invitae), Labcorp and Natera, Inc.).